The following is an entry in ClinVar:

ClinVar aggregate classification (germline): Benign. Review status: reviewed by expert panel (3 of 4 stars). 10 submissions from 10 submitters: Benign (1). 9 of the submissions do not count toward it. Last evaluated 2017-04-18.

Conditions:
Cardiovascular phenotype. Identifiers: MedGen CN230736.
RASopathy. Also called: Noonan spectrum disorder; rasopathies. Identifiers: Orphanet 536391, MedGen C5555857, MONDO:0021060.
Fibromatosis, gingival, 1 (GINGF1). Identifiers: Orphanet 2024, MedGen C4551558, MONDO:0007609, OMIM 135300.
Noonan syndrome 4 (NS4). Also called: NOONAN SYNDROME WITH PIGMENTED VILLONODULAR SYNOVITIS; SOS1-Related Noonan Syndrome. Identifiers: Orphanet 648, MedGen C1853120, MONDO:0012547, OMIM 610733.

Allele frequency attached by ClinVar (database versions not stated): gnomAD exomes 0.00008 and 0.00024; ExAC 0.00029; gnomAD 0.00082 and 0.00084; TOPMed 0.00106; ESP Exome Variant Server 0.00146; 1000 Genomes Project 30x 0.00156; 1000 Genomes Project 0.00160.
gnomAD v4.1: 243 of 1,613,458 alleles (0.015%); highest among the groups gnomAD compares: African/African-American, 0.26%; no homozygotes.

Submissions (10):

ClinGen RASopathy Variant Curation Expert Panel
Classification: Benign for Noonan syndrome and Noonan-related syndrome. Last evaluated: 2017-04-18. Review status: reviewed by expert panel. Criteria: ClinGen RASopathy ACMG Specifications v1. Collection method: curation. Allele origin: germline. Inheritance: Autosomal dominant inheritance.
Comment: The filtering allele frequency of the c.2238T>C (p.Asn746=) variant in the SOS1 gene is 0.232% (33/10404) of African chromosomes by the Exome Aggregation Consortium, which is a high enough frequency to be classified as benign based on thresholds defined by the ClinGen RASopathy Expert Panel (BA1; PMID:29493581)

Labcorp Genetics (formerly Invitae), Labcorp
Classification: Benign for RASopathy. Last evaluated: 2026-01-27. Review status: criteria provided, single submitter. Criteria: Invitae Variant Classification Sherloc (09022015). Collection method: clinical testing. Allele origin: germline. Not counted in ClinVar's aggregate classification.

Blueprint Genetics
Classification: Likely benign. Last evaluated: 2022-10-14. Review status: criteria provided, single submitter. Criteria: ACMG Guidelines, 2015. Collection method: clinical testing. Allele origin: germline. Not counted in ClinVar's aggregate classification.

CeGaT Center for Human Genetics Tuebingen
Classification: Benign. Last evaluated: 2022-09-01. Review status: criteria provided, single submitter. Criteria: CeGaT Center For Human Genetics Tuebingen Variant Classification Criteria Version 2. Collection method: clinical testing. Allele origin: germline. Affected: yes. Observed: 1 variant allele. Not counted in ClinVar's aggregate classification.
Comment: SOS1: BS1, BS2

Fulgent Genetics
Classification: Likely benign for Fibromatosis, gingival, 1; Noonan syndrome 4. Last evaluated: 2021-07-28. Review status: criteria provided, single submitter. Criteria: ACMG Guidelines, 2015. Collection method: clinical testing. Allele origin: unknown. Not counted in ClinVar's aggregate classification.

Ambry Genetics
Classification: Benign for Cardiovascular phenotype. Last evaluated: 2019-03-26. Review status: criteria provided, single submitter. Criteria: Ambry Variant Classification Scheme 2023. Collection method: clinical testing. Allele origin: germline. Not counted in ClinVar's aggregate classification.

Mayo Clinic Laboratories, Mayo Clinic
Classification: Benign. Last evaluated: 2019-03-05. Review status: criteria provided, single submitter. Criteria: ACMG Guidelines, 2015. Collection method: clinical testing. Allele origin: germline. Observed: 5 variant alleles. Not counted in ClinVar's aggregate classification.

Eurofins Ntd Llc (ga)
Classification: Likely benign. Last evaluated: 2015-04-10. Review status: criteria provided, single submitter. Criteria: EGL Classification Definitions 2015. Collection method: clinical testing. Allele origin: germline. Observed: 1 variant allele, 1 heterozygote. Not counted in ClinVar's aggregate classification.

GeneDx
Classification: Benign. Last evaluated: 2012-08-20. Review status: criteria provided, single submitter. Criteria: GeneDx Variant Classification (06012015). Collection method: clinical testing. Allele origin: germline. Affected: yes. Not counted in ClinVar's aggregate classification.
Comment: This variant is considered likely benign or benign based on one or more of the following criteria: it is a conservative change, it occurs at a poorly conserved position in the protein, it is predicted to be benign by multiple in silico algorithms, and/or has population frequency not consistent with disease.

Laboratory for Molecular Medicine, Mass General Brigham Personalized Medicine
Classification: Benign. Last evaluated: 2012-03-19. Review status: criteria provided, single submitter. Criteria: LMM Criteria. Collection method: clinical testing. Allele origin: germline. Observed: 3 variant alleles. Not counted in ClinVar's aggregate classification.
Comment: p.Asn746Asn in Exon 14 of SOS1: This variant is not expected to have clinical si gnificance because it does not alter an amino acid residue, is not located withi n the splice consensus sequence and has been identified in 0.4% (16/3738) of Afr ican American chromosomes from a broad population by the NHLBI Exome Sequencing Project (dbSNP rs75877625).

NM_005633.4(SOS1):c.2238T>C (p.Asn746=)

Gene: SOS1 (SOS Ras/Rac guanine nucleotide exchange factor 1; minus strand). Cytogenetic location: 2p22.1.
Variant type: single nucleotide variant.
Coding change: c.2238T>C on transcript NM_005633.4 (MANE Select); coding-DNA position 2238, T replaced by C.
Protein change: p.Asn746=; no amino-acid change (asparagine 746 retained).
Molecular consequence: synonymous variant.
Genome position (GRCh38, 1-based): chr2:39,012,278, A>G on the plus strand (T>C on the coding strand, the complement: SOS1 is on the minus strand). VCF-style: chr2-39012278-A-G. GRCh37 (hg19) VCF-style: chr2-39239419-A-G.
Other names: p.N746N:AAT>AAC; NM_005633.3(SOS1):c.2238T>C; c.2217T>C, p.Asn739= (NM_001382394.1); c.2238T>C, p.Asn746= (NM_001382395.1).
Identifiers: ClinVar variation 139228 (VCV000139228.49), dbSNP rs75877625, ClinGen allele CA178021.